The following is an entry in ClinVar:

ClinVar aggregate classification (germline): Uncertain significance (1 of 4 stars; one submission).

gnomAD v4.1: 1 of 1,613,874 alleles (0.000062%); highest among the groups gnomAD compares: South Asian, 0.0011%; no homozygotes.

Submission:

Labcorp Genetics (formerly Invitae), Labcorp
Classification: Uncertain significance. Last evaluated: 2022-08-10. Review status: criteria provided, single submitter. Criteria: Invitae Variant Classification Sherloc (09022015). Collection method: clinical testing. Allele origin: germline.
Comment: In summary, the available evidence is currently insufficient to determine the role of this variant in disease. Therefore, it has been classified as a Variant of Uncertain Significance. Algorithms developed to predict the effect of missense changes on protein structure and function output the following: SIFT: "Tolerated"; PolyPhen-2: "Benign"; Align-GVGD: "Class C0". The isoleucine amino acid residue is found in multiple mammalian species, which suggests that this missense change does not adversely affect protein function. This variant has not been reported in the literature in individuals affected with DMXL2-related conditions. This variant is not present in population databases (gnomAD no frequency). This sequence change replaces threonine, which is neutral and polar, with isoleucine, which is neutral and non-polar, at codon 1283 of the DMXL2 protein (p.Thr1283Ile).

NM_001378457.1(DMXL2):c.3848C>T (p.Thr1283Ile)

Gene: DMXL2 (Dmx like 2; minus strand). Cytogenetic location: 15q21.2.
Variant type: single nucleotide variant.
Coding change: c.3848C>T on transcript NM_001378457.1 (MANE Select); coding-DNA position 3848, C replaced by T.
Protein change: p.Thr1283Ile; replaces threonine 1283 with isoleucine.
Molecular consequence: missense variant. On other transcripts: non-coding transcript variant (2), intron variant (2).
Genome position (GRCh38, 1-based): chr15:51,499,376, G>A on the plus strand (C>T on the coding strand, the complement: DMXL2 is on the minus strand). VCF-style: chr15-51499376-G-A. GRCh37 (hg19) VCF-style: chr15-51791573-G-A.
Other names: c.3848C>T, p.Thr1283Ile (NM_001174116.3, NM_001378458.1, NM_001378459.1 and 4 more transcripts); c.3608C>T, p.Thr1203Ile (NM_001378464.1); c.2765-7629C>T (NM_001378460.1); c.2765-4242C>T (NM_001174117.3); short protein forms T1203I, T1283I.
Identifiers: ClinVar variation 1716049 (VCV001716049.5), dbSNP rs1219911973, ClinGen allele CA392433871.
Genomic context (GRCh38, chr15:51,499,376, plus strand): 5'-GATTTAAAGGTCGAATGATCTTGCATTGCTGCCTCTTCTGCATTAGAACTATCAGCTTCA[G>A]TGTCTCCAAATTTGACAGCATGCTTCCACTGTGCATATACATGCATTTCACAATCCATTC-3'
Protein context (NP_001365386.1, residues 1273-1293): QWKHAVKFGD[Thr1283Ile]EADSSNAEEA